The following is an entry in ClinVar:

NM_001128840.3(CACNA1D):c.5628C>T (p.Ile1876=)

Gene: CACNA1D (calcium voltage-gated channel subunit alpha1 D; plus strand). Cytogenetic location: 3p21.1.
Variant type: single nucleotide variant.
Coding change: c.5628C>T on transcript NM_001128840.3 (MANE Select); coding-DNA position 5628, C replaced by T.
Protein change: p.Ile1876=; no amino-acid change (isoleucine 1876 retained).
Molecular consequence: synonymous variant.
Genome position (GRCh38, 1-based): chr3:53,805,025, C>T. VCF-style: chr3-53805025-C-T. GRCh37 (hg19) VCF-style: chr3-53839052-C-T.
Other names: c.5688C>T, p.Ile1896= (NM_000720.4); c.5556C>T, p.Ile1852= (NM_001128839.3).
Identifiers: ClinVar variation 667077 (VCV000667077.16), dbSNP rs756947491, ClinGen allele CA2455206.

ClinVar aggregate classification (germline): Likely benign. Review status: criteria provided, multiple submitters, no conflicts (2 of 4 stars). 4 submissions from 4 submitters: Likely benign (4). Last evaluated 2025-08-13.

Allele frequency attached by ClinVar (database versions not stated): ExAC 0.00002; gnomAD 0.00004 and 0.00003; TOPMed 0.00002; gnomAD exomes 0.00003.
gnomAD v4.1: 65 of 1,614,002 alleles (0.004%); highest among the groups gnomAD compares: South Asian, 0.0066%; no homozygotes.

Submissions (4):

Labcorp Genetics (formerly Invitae), Labcorp
Classification: Likely benign. Last evaluated: 2025-08-13. Review status: criteria provided, single submitter. Criteria: Invitae Variant Classification Sherloc (09022015). Collection method: clinical testing. Allele origin: germline.

Women's Health and Genetics/Laboratory Corporation of America, LabCorp
Classification: Likely benign. Last evaluated: 2025-04-28. Review status: criteria provided, single submitter. Criteria: LabCorp Variant Classification Summary - May 2015. Collection method: clinical testing. Allele origin: germline.

Blueprint Genetics
Classification: Likely benign. Last evaluated: 2023-11-16. Review status: criteria provided, single submitter. Criteria: ACMG Guidelines, 2015. Collection method: clinical testing. Allele origin: germline.

Laboratory for Molecular Medicine, Mass General Brigham Personalized Medicine
Classification: Likely benign. Last evaluated: 2017-08-23. Review status: criteria provided, single submitter. Criteria: LMM Criteria. Collection method: clinical testing. Allele origin: germline. Observed: 1 variant allele.
Comment: p.Ile1896Ile in exon 46 of CACNA1D: This variant is not expected to have clinica l significance because it does not alter an amino acid residue and is not locate d within the splice consensus sequence. It has been identified in 1/66732 Europe an chromosomes by the Exome Aggregation Consortium (ExAC; dbSNP rs756947491).